The following is an entry in ClinVar:

NM_005562.3(LAMC2):c.295_299delinsGGT (p.Ser99fs)

Gene: LAMC2 (laminin subunit gamma 2; plus strand). Cytogenetic location: 1q25.3.
Variant type: Indel.
Coding change: c.295_299delinsGGT on transcript NM_005562.3 (MANE Select); coding-DNA positions 295 to 299, TCCGG replaced by GGT.
Protein change: p.Ser99fs; shifts the reading frame from serine 99.
Molecular consequence: frameshift variant.
Genome position (GRCh38, 1-based): chr1:183,215,479-183,215,483, TCCGG replaced by GGT. VCF-style: chr1-183215479-TCCGG-GGT. GRCh37 (hg19) VCF-style: chr1-183184614-TCCGG-GGT.
Other names: c.295_299delinsGGT, p.Ser99fs (NM_018891.3); short protein forms S99fs.
Identifiers: ClinVar variation 5015162 (VCV005015162.1).

ClinVar aggregate classification (germline): Pathogenic (1 of 4 stars; one submission).

Conditions:
Junctional epidermolysis bullosa. Identifiers: Orphanet 305, MedGen C0079301, MONDO:0017612.

Submission:

Myriad Genetics, Inc.
Classification: Pathogenic for Junctional epidermolysis bullosa. Last evaluated: 2025-11-03. Review status: criteria provided, single submitter. Criteria: Myriad Autosomal Dominant, Autosomal Recessive and X-Linked Classification Criteria (2023). Collection method: clinical testing. Allele origin: unknown.
Comment: NM_005562.2(LAMC2):c.295_299del5ins3(S99Gfs*6) is expected to be pathogenic in the context of junctional epidermolysis bullosa, LAMC2-related. This variant is predicted to lead to an abnormal or absent protein product due to the creation of a premature termination codon in LAMC2, a gene where loss-of-function variants are known to be pathogenic. Please note: this variant was assessed in the context of healthy population screening.